The following is an entry in ClinVar:

ClinVar aggregate classification (germline): Likely pathogenic (1 of 4 stars; one submission).

Conditions:
Glycogen storage disease due to lactate dehydrogenase M-subunit deficiency (GSD11). Also called: Glycogen storage disease XI; GSD XI; LACTATE DEHYDROGENASE A DEFICIENCY. Identifiers: Orphanet 284426, MedGen C2931743, MONDO:0013047, OMIM 612933.

Allele frequency attached by ClinVar (database versions not stated): gnomAD exomes below 0.00001; ExAC 0.00001; gnomAD 0.00001; TOPMed 0.00002.
gnomAD v4.1: 4 of 1,610,966 alleles (0.00025%); highest among the groups gnomAD compares: Admixed American, 0.0033%; no homozygotes.

Submission:

Labcorp Genetics (formerly Invitae), Labcorp
Classification: Likely pathogenic for Glycogen storage disease due to lactate dehydrogenase M-subunit deficiency. Last evaluated: 2024-02-23. Review status: criteria provided, single submitter. Criteria: Invitae Variant Classification Sherloc (09022015). Collection method: clinical testing. Allele origin: germline.
Comment: This sequence change affects a donor splice site in intron 2 of the LDHA gene. It is expected to disrupt RNA splicing. Variants that disrupt the donor or acceptor splice site typically lead to a loss of protein function (PMID: 16199547), and loss-of-function variants in LDHA are known to be pathogenic (PMID: 1959923). This variant is present in population databases (rs779023149, gnomAD 0.003%). This variant has not been reported in the literature in individuals affected with LDHA-related conditions. ClinVar contains an entry for this variant (Variation ID: 1925742). In summary, the currently available evidence indicates that the variant is pathogenic, but additional data are needed to prove that conclusively. Therefore, this variant has been classified as Likely Pathogenic.

Literature cited by the submitters: PubMed 16199547; PubMed 1959923.

NM_005566.4(LDHA):c.126+2T>C

Gene: LDHA (lactate dehydrogenase A; plus strand). Cytogenetic location: 11p15.1.
Variant type: single nucleotide variant.
Coding change: c.126+2T>C on transcript NM_005566.4 (MANE Select); the canonical splice donor site of the intron after coding-DNA position 126, T replaced by C.
Molecular consequence: splice donor variant.
Genome position (GRCh38, 1-based): chr11:18,396,970, T>C. VCF-style: chr11-18396970-T-C. GRCh37 (hg19) VCF-style: chr11-18418517-T-C.
Other names: c.126+2T>C (NM_001135239.2, NM_001165415.2, NM_001165416.2); c.213+2T>C (NM_001165414.2).
Identifiers: ClinVar variation 1925742 (VCV001925742.5), dbSNP rs779023149, ClinGen allele CA5911184.